The following is an entry in ClinVar:

NM_004655.4(AXIN2):c.1400C>G (p.Pro467Arg)

Gene: AXIN2 (axin 2; minus strand). Cytogenetic location: 17q24.1.
Variant type: single nucleotide variant.
Coding change: c.1400C>G on transcript NM_004655.4 (MANE Select); coding-DNA position 1400, C replaced by G.
Protein change: p.Pro467Arg; replaces proline 467 with arginine.
Molecular consequence: missense variant.
Genome position (GRCh38, 1-based): chr17:65,537,636, G>C on the plus strand (C>G on the coding strand, the complement: AXIN2 is on the minus strand). VCF-style: chr17-65537636-G-C. GRCh37 (hg19) VCF-style: chr17-63533754-G-C.
Other names: c.1400C>G, p.Pro467Arg (NM_001363813.1); short protein forms P467R.
Identifiers: ClinVar variation 3470308 (VCV003470308.1).
Genomic context (GRCh38, chr17:65,537,636, plus strand): 5'-AGCTTGCCACCGGGCGGGAGCAGGGAGTGGTACTGCGAATGGTGGTGGTGGTGGTGGTCC[G>C]GGGAGCGGGAGCGGGGGCTATAGCGGCCTACGCCTGGAGACTGGCAGCCAGGGGTCTTGA-3'
Protein context (NP_004646.3, residues 457-477): VGRYSPRSRS[Pro467Arg]DHHHHHHSQY

ClinVar aggregate classification (germline): Uncertain significance (1 of 4 stars; one submission).

Conditions:
Hereditary cancer-predisposing syndrome. Also called: Tumor predisposition; Neoplastic Syndromes, Hereditary; Hereditary neoplastic syndrome; Hereditary Cancer Syndrome. Identifiers: Orphanet 140162, MedGen C0027672, MeSH D009386, MONDO:0015356.

gnomAD v4.1: 1 of 1,585,356 alleles (0.000063%); no homozygotes.

Submission:

Ambry Genetics
Classification: Uncertain significance for Hereditary cancer-predisposing syndrome. Last evaluated: 2024-08-27. Review status: criteria provided, single submitter. Criteria: Ambry Variant Classification Scheme 2023. Collection method: clinical testing. Allele origin: germline.
Comment: The p.P467R variant (also known as c.1400C>G), located in coding exon 5 of the AXIN2 gene, results from a C to G substitution at nucleotide position 1400. The proline at codon 467 is replaced by arginine, an amino acid with dissimilar properties. This amino acid position is conserved. In addition, the in silico prediction for this alteration is inconclusive. Based on the available evidence, the clinical significance of this variant remains unclear.